The following is an entry in ClinVar:

ClinVar aggregate classification (germline): Uncertain significance. Review status: criteria provided, multiple submitters, no conflicts (2 of 4 stars). 2 submissions from 2 submitters: Uncertain significance (2). Last evaluated 2025-06-10.

Conditions:
Hypertrophic cardiomyopathy. Also called: HYPERTROPHIC MYOCARDIOPATHY. Identifiers: Orphanet 217569, MedGen C0007194, MeSH D002312, MONDO:0005045, HP:0001639.

Allele frequency attached by ClinVar (database versions not stated): gnomAD 0.00003; TOPMed 0.00003; ExAC 0.00004; gnomAD exomes 0.00004.
gnomAD v4.1: 64 of 1,613,796 alleles (0.004%); highest among the groups gnomAD compares: Non-Finnish European, 0.0052%; no homozygotes.

Submissions (2):

Ambry Genetics
Classification: Uncertain significance. Last evaluated: 2025-06-10. Review status: criteria provided, single submitter. Criteria: Ambry Variant Classification Scheme 2023. Collection method: clinical testing. Allele origin: germline.
Comment: The p.M422V variant (also known as c.1264A>G), located in coding exon 8 of the MYOM1 gene, results from an A to G substitution at nucleotide position 1264. The methionine at codon 422 is replaced by valine, an amino acid with highly similar properties. This amino acid position is conserved. In addition, this alteration is predicted to be tolerated by in silico analysis. Since supporting evidence is limited at this time, the clinical significance of this alteration remains unclear.

Labcorp Genetics (formerly Invitae), Labcorp
Classification: Uncertain significance for Hypertrophic cardiomyopathy. Last evaluated: 2024-09-23. Review status: criteria provided, single submitter. Criteria: Invitae Variant Classification Sherloc (09022015). Collection method: clinical testing. Allele origin: germline.
Comment: This sequence change replaces methionine, which is neutral and non-polar, with valine, which is neutral and non-polar, at codon 422 of the MYOM1 protein (p.Met422Val). This variant is present in population databases (rs763568623, gnomAD 0.006%). This variant has not been reported in the literature in individuals affected with MYOM1-related conditions. ClinVar contains an entry for this variant (Variation ID: 2560335). Invitae Evidence Modeling of protein sequence and biophysical properties (such as structural, functional, and spatial information, amino acid conservation, physicochemical variation, residue mobility, and thermodynamic stability) indicates that this missense variant is not expected to disrupt MYOM1 protein function with a negative predictive value of 80%. In summary, the available evidence is currently insufficient to determine the role of this variant in disease. Therefore, it has been classified as a Variant of Uncertain Significance.

NM_003803.4(MYOM1):c.1264A>G (p.Met422Val)

Gene: MYOM1 (myomesin 1; minus strand). Cytogenetic location: 18p11.31.
Variant type: single nucleotide variant.
Coding change: c.1264A>G on transcript NM_003803.4 (MANE Select); coding-DNA position 1264, A replaced by G.
Protein change: p.Met422Val; replaces methionine 422 with valine.
Molecular consequence: missense variant.
Genome position (GRCh38, 1-based): chr18:3,168,892, T>C on the plus strand (A>G on the coding strand, the complement: MYOM1 is on the minus strand). VCF-style: chr18-3168892-T-C. GRCh37 (hg19) VCF-style: chr18-3168890-T-C.
Other names: c.1264A>G, p.Met422Val (NM_019856.2); short protein forms M422V.
Identifiers: ClinVar variation 2560335 (VCV002560335.5), dbSNP rs763568623, ClinGen allele CA8874997.